The following is an entry in ClinVar:

NM_182961.4(SYNE1):c.14765A>T (p.Glu4922Val)

Gene: SYNE1 (spectrin repeat containing nuclear envelope protein 1; minus strand). Cytogenetic location: 6q25.2.
Variant type: single nucleotide variant.
Coding change: c.14765A>T on transcript NM_182961.4 (MANE Select); coding-DNA position 14765, A replaced by T.
Protein change: p.Glu4922Val; replaces glutamic acid 4922 with valine.
Molecular consequence: missense variant.
Genome position (GRCh38, 1-based): chr6:152,329,920, T>A on the plus strand (A>T on the coding strand, the complement: SYNE1 is on the minus strand). VCF-style: chr6-152329920-T-A. GRCh37 (hg19) VCF-style: chr6-152651055-T-A.
Other names: c.14552A>T, p.Glu4851Val (NM_033071.5); short protein forms E4922V, E4851V.
Identifiers: ClinVar variation 5006982 (VCV005006982.2).

ClinVar aggregate classification (germline): Uncertain significance (1 of 4 stars; one submission).

Conditions:
Autosomal recessive ataxia, Beauce type. Also called: Spinocerebellar ataxia, autosomal recessive 8; SYNE1 Deficiency; ATAXIA, RECESSIVE, OF BEAUCE; SYNE1-Related Autosomal Recessive Cerebellar Ataxia. Identifiers: Orphanet 88644, MedGen C1853116, MONDO:0012549, OMIM 610743.
Arthrogryposis multiplex congenita 3, myogenic type. Also called: ARTHROGRYPOSIS MULTIPLEX CONGENITA, MYOGENIC TYPE. Identifiers: MedGen C5193121, MONDO:0032778, OMIM 618484.
Emery-Dreifuss muscular dystrophy 4, autosomal dominant (EDMD4). Also called: EMERY-DREIFUSS MUSCULAR DYSTROPHY 4 WITH VARIABLE FEATURES. Identifiers: Orphanet 261, MedGen C2751807, MONDO:0013071, OMIM 612998.

Submission:

Juno Genomics, Hangzhou Juno Genomics, Inc
Classification: Uncertain significance for Arthrogryposis multiplex congenita 3, myogenic type; Emery-Dreifuss muscular dystrophy 4, autosomal dominant; Autosomal recessive ataxia, Beauce type. Review status: criteria provided, single submitter. Criteria: ACMG Guidelines, 2015. Collection method: clinical testing. Allele origin: germline.
Comment: Absent from controls (or at extremely low frequency if recessive) in Genome Aggregation Database.;Missense variant in a gene that has a low rate of benign missense variation.